The following is an entry in ClinVar:

NM_000363.5(TNNI3):c.403C>T (p.Leu135Phe)

Gene: TNNI3 (troponin I3, cardiac type; minus strand). Cytogenetic location: 19q13.42.
Variant type: single nucleotide variant.
Coding change: c.403C>T on transcript NM_000363.5 (MANE Select); coding-DNA position 403, C replaced by T.
Protein change: p.Leu135Phe; replaces leucine 135 with phenylalanine.
Molecular consequence: missense variant.
Genome position (GRCh38, 1-based): chr19:55,154,176, G>A on the plus strand (C>T on the coding strand, the complement: TNNI3 is on the minus strand). VCF-style: chr19-55154176-G-A. GRCh37 (hg19) VCF-style: chr19-55665544-G-A.
Other names: c.403C>T (LRG_432t1); short protein forms L135F.
Identifiers: ClinVar variation 525033 (VCV000525033.10), dbSNP rs1555863549, ClinGen allele CA407440686.

ClinVar aggregate classification (germline): Uncertain significance. Review status: criteria provided, multiple submitters, no conflicts (2 of 4 stars). 2 submissions from 2 submitters: Uncertain significance (2). Last evaluated 2025-03-18.

Conditions:
Hypertrophic cardiomyopathy. Also called: HYPERTROPHIC MYOCARDIOPATHY. Identifiers: Orphanet 217569, MedGen C0007194, MeSH D002312, MONDO:0005045, HP:0001639.
Cardiovascular phenotype. Identifiers: MedGen CN230736.

Submissions (2):

Labcorp Genetics (formerly Invitae), Labcorp
Classification: Uncertain significance for Hypertrophic cardiomyopathy. Last evaluated: 2025-03-18. Review status: criteria provided, single submitter. Criteria: Invitae Variant Classification Sherloc (09022015). Collection method: clinical testing. Allele origin: germline.
Comment: This sequence change replaces leucine, which is neutral and non-polar, with phenylalanine, which is neutral and non-polar, at codon 135 of the TNNI3 protein (p.Leu135Phe). This variant is not present in population databases (gnomAD no frequency). This variant has not been reported in the literature in individuals affected with TNNI3-related conditions. ClinVar contains an entry for this variant (Variation ID: 525033). An algorithm developed specifically for the TNNI3 gene suggests that this missense change is likely to be deleterious (PMID: 21310275). In summary, the available evidence is currently insufficient to determine the role of this variant in disease. Therefore, it has been classified as a Variant of Uncertain Significance.

Ambry Genetics
Classification: Uncertain significance for Cardiovascular phenotype. Last evaluated: 2021-06-03. Review status: criteria provided, single submitter. Criteria: Ambry Variant Classification Scheme 2023. Collection method: clinical testing. Allele origin: germline.
Comment: The p.L135F variant (also known as c.403C>T), located in coding exon 7 of the TNNI3 gene, results from a C to T substitution at nucleotide position 403. The leucine at codon 135 is replaced by phenylalanine, an amino acid with highly similar properties. This amino acid position is highly conserved in available vertebrate species. In addition, this alteration is predicted to be deleterious by in silico analysis. Since supporting evidence is limited at this time, the clinical significance of this alteration remains unclear.

Literature cited by the submitters: PubMed 21310275 (cited by Labcorp Genetics (formerly Invitae), Labcorp).